The following is an entry in ClinVar:

ClinVar aggregate classification (germline): Uncertain significance (1 of 4 stars; one submission).

gnomAD v4.1: 1 of 1,201,670 alleles (0.000083%); highest among the groups gnomAD compares: Non-Finnish European, 0.00011%; no homozygotes.

Submission:

GeneDx
Classification: Uncertain significance. Last evaluated: 2024-03-01. Review status: criteria provided, single submitter. Criteria: GeneDx Variant Classification Process June 2021. Collection method: clinical testing. Allele origin: germline. Affected: yes.
Comment: Not observed at significant frequency in large population cohorts (gnomAD); In silico analysis supports that this missense variant does not alter protein structure/function; In silico analysis suggests this variant may impact gene splicing. In the absence of RNA/functional studies, the actual effect of this sequence change is unknown.; Has not been previously published as pathogenic or benign to our knowledge

NM_002025.4(AFF2):c.2693A>G (p.Asn898Ser)

Gene: AFF2 (ALF transcription elongation factor 2; plus strand). Cytogenetic location: Xq28.
Variant type: single nucleotide variant.
Coding change: c.2693A>G on transcript NM_002025.4 (MANE Select); coding-DNA position 2693, A replaced by G.
Protein change: p.Asn898Ser; replaces asparagine 898 with serine.
Molecular consequence: missense variant.
Genome position (GRCh38, 1-based): chrX:148,962,717, A>G. VCF-style: chrX-148962717-A-G. GRCh37 (hg19) VCF-style: chrX-148044247-A-G.
Other names: c.2594A>G, p.Asn865Ser (NM_001169122.2); c.2663A>G, p.Asn888Ser (NM_001169123.2); c.2588A>G, p.Asn863Ser (NM_001169124.2); c.2576A>G, p.Asn859Ser (NM_001169125.2); c.1616A>G, p.Asn539Ser (NM_001170628.1); short protein forms N539S, N859S, N863S, N865S, N888S, N898S.
Identifiers: ClinVar variation 3373569 (VCV003373569.1).